The following is an entry in ClinVar:

ClinVar aggregate classification (germline): Pathogenic (1 of 4 stars; one submission).

Conditions:
Actin accumulation myopathy (CMYO2A). Also called: CONGENITAL MYOPATHY 2A, TYPICAL, AUTOSOMAL DOMINANT; Nemaline myopathy type 3; Myopathy, actin, congenital, with excess of thin myofilaments; Myopathy, actin, congenital, with cores; Nemaline myopathy 3, with intranuclear rods. Identifiers: Orphanet 98904, MedGen C3711389, MONDO:0008070, OMIM 161800.

Submission:

Labcorp Genetics (formerly Invitae), Labcorp
Classification: Pathogenic for Actin accumulation myopathy. Last evaluated: 2025-06-22. Review status: criteria provided, single submitter. Criteria: Invitae Variant Classification Sherloc (09022015). Collection method: clinical testing. Allele origin: germline.
Comment: This sequence change replaces tyrosine, which is neutral and polar, with cysteine, which is neutral and slightly polar, at codon 200 of the ACTA1 protein (p.Tyr200Cys). This variant is not present in population databases (gnomAD no frequency). This missense change has been observed in individual(s) with autosomal dominant nemaline myopathy (PMID: 19562689). In at least one individual the variant was observed to be de novo. ClinVar contains an entry for this variant (Variation ID: 1072266). Invitae Evidence Modeling of protein sequence and biophysical properties (such as structural, functional, and spatial information, amino acid conservation, physicochemical variation, residue mobility, and thermodynamic stability) indicates that this missense variant is not expected to disrupt ACTA1 protein function with a negative predictive value of 80%. This variant disrupts the p.Tyr200 amino acid residue in ACTA1. Other variant(s) that disrupt this residue have been determined to be pathogenic (internal data). This suggests that this residue is clinically significant, and that variants that disrupt this residue are likely to be disease-causing. For these reasons, this variant has been classified as Pathogenic.

Literature cited by the submitters: PubMed 19562689.

NM_001100.4(ACTA1):c.599A>G (p.Tyr200Cys)

Gene: ACTA1 (actin alpha 1, skeletal muscle; minus strand). Cytogenetic location: 1q42.13.
Variant type: single nucleotide variant.
Coding change: c.599A>G on transcript NM_001100.4 (MANE Select); coding-DNA position 599, A replaced by G.
Protein change: p.Tyr200Cys; replaces tyrosine 200 with cysteine.
Molecular consequence: missense variant.
Genome position (GRCh38, 1-based): chr1:229,432,287, T>C on the plus strand (A>G on the coding strand, the complement: ACTA1 is on the minus strand). VCF-style: chr1-229432287-T-C. GRCh37 (hg19) VCF-style: chr1-229568034-T-C.
Other names: short protein forms Y200C.
Identifiers: ClinVar variation 1072266 (VCV001072266.7), dbSNP rs2102735854, ClinGen allele CA345147865.